The following is an entry in ClinVar:

ClinVar aggregate classification (germline): Likely benign. Review status: criteria provided, multiple submitters, no conflicts (2 of 4 stars). 2 submissions from 2 submitters: Likely benign (2). Last evaluated 2024-06-01.

Allele frequency attached by ClinVar (database versions not stated): gnomAD 0.00002; gnomAD exomes 0.00002; ExAC 0.00004.

Submissions (2):

CeGaT Center for Human Genetics Tuebingen
Classification: Likely benign. Last evaluated: 2024-06-01. Review status: criteria provided, single submitter. Criteria: CeGaT Center For Human Genetics Tuebingen Variant Classification Criteria Version 2. Collection method: clinical testing. Allele origin: germline. Affected: yes. Observed: 1 variant allele.
Comment: POLR2A: BP4, BP7

Blueprint Genetics
Classification: Likely benign. Last evaluated: 2020-04-14. Review status: criteria provided, single submitter. Criteria: ACMG Guidelines, 2015. Collection method: clinical testing. Allele origin: germline.

NM_000937.5(POLR2A):c.1194C>T (p.Asn398=)

Gene: POLR2A (RNA polymerase II subunit A; plus strand). Cytogenetic location: 17p13.1.
Variant type: single nucleotide variant.
Coding change: c.1194C>T on transcript NM_000937.5 (MANE Select); coding-DNA position 1194, C replaced by T.
Protein change: p.Asn398=; no amino-acid change (asparagine 398 retained).
Molecular consequence: synonymous variant.
Genome position (GRCh38, 1-based): chr17:7,497,862, C>T. VCF-style: chr17-7497862-C-T. GRCh37 (hg19) VCF-style: chr17-7401181-C-T.
Identifiers: ClinVar variation 3250584 (VCV003250584.19), dbSNP rs762931028.
Genomic context (GRCh38, chr17:7,497,862, plus strand): 5'-TGGCGTGCCCCGCTCCATTGCTGCCAACATGACCTTTGCGGAGATTGTCACCCCCTTCAA[C>T]ATTGACAGGTGTGCCTCCGTTGGAAAGCCCTTCCTGGAATGGCTAGGGAAGACATGGCCT-3'
Protein context (NP_000928.1, residues 388-408): MTFAEIVTPF[Asn398=]IDRLQELVRR